The following is an entry in ClinVar:

NM_007332.3(TRPA1):c.1563G>A (p.Ala521=)

Genes: MSC-AS1 (MSC antisense RNA 1; plus strand), TRPA1 (transient receptor potential cation channel subfamily A member 1; minus strand). Cytogenetic location: 8q21.11.
Variant type: single nucleotide variant.
Coding change: c.1563G>A on transcript NM_007332.3 (MANE Select); coding-DNA position 1563, G replaced by A.
Protein change: p.Ala521=; no amino-acid change (alanine 521 retained).
Molecular consequence: synonymous variant. On other transcripts: non-coding transcript variant (2).
Genome position (GRCh38, 1-based): chr8:72,053,834, C>T on the plus strand (G>A on the coding strand, the complement: TRPA1 is on the minus strand). VCF-style: chr8-72053834-C-T. GRCh37 (hg19) VCF-style: chr8-72966069-C-T.
Identifiers: ClinVar variation 3388911 (VCV003388911.14).

ClinVar aggregate classification (germline): Likely benign (1 of 4 stars; one submission).

gnomAD v4.1: 40 of 1,612,038 alleles (0.0025%); highest among the groups gnomAD compares: Middle Eastern, 0.02%; no homozygotes.

Submission:

CeGaT Center for Human Genetics Tuebingen
Classification: Likely benign. Last evaluated: 2024-09-01. Review status: criteria provided, single submitter. Criteria: CeGaT Center For Human Genetics Tuebingen Variant Classification Criteria Version 2. Collection method: clinical testing. Allele origin: germline. Affected: yes. Observed: 1 variant allele.
Comment: TRPA1: BP4, BP7